The following is an entry in ClinVar:

NM_000297.4(PKD2):c.1047dup (p.Val350fs)

Gene: PKD2 (polycystin 2, transient receptor potential cation channel; plus strand). Cytogenetic location: 4q22.1.
Variant type: Duplication.
Coding change: c.1047dup on transcript NM_000297.4 (MANE Select); coding-DNA position 1047, one base duplicated (T; older notation c.1047dupT).
Protein change: p.Val350fs; shifts the reading frame from valine 350.
Molecular consequence: frameshift variant. On other transcripts: non-coding transcript variant (1).
Genome position (GRCh38, 1-based): chr4:88,038,454, T duplicated. VCF-style (leftmost placement, unchanged base first): chr4-88038453-C-CT. GRCh37 (hg19) VCF-style: chr4-88959605-C-CT.
Other names: c.1047dupT (NM_000297.3); short protein forms V350fs.
Identifiers: ClinVar variation 635524 (VCV000635524.7), dbSNP rs1578130597, ClinGen allele CA913189887.

ClinVar aggregate classification (germline): Pathogenic. Review status: criteria provided, multiple submitters, no conflicts (2 of 4 stars). 4 submissions from 4 submitters: Pathogenic (3). 1 of the submissions does not count toward it. Last evaluated 2024-01-30.

Conditions:
Polycystic kidney disease 2 (PKD2). Also called: Polycystic Kidney Disease 2, Autosomal Dominant; POLYCYSTIC KIDNEY DISEASE, ADULT, TYPE II; POLYCYSTIC KIDNEY DISEASE 2 WITH OR WITHOUT POLYCYSTIC LIVER DISEASE. Identifiers: MedGen C2751306, MONDO:0013131, OMIM 613095.

Submissions (4):

Fulgent Genetics
Classification: Pathogenic for Polycystic kidney disease 2. Last evaluated: 2024-01-30. Review status: criteria provided, single submitter. Criteria: ACMG Guidelines, 2015. Collection method: clinical testing. Allele origin: germline.

Institute of Medical Genetics and Applied Genomics, University Hospital Tübingen
Classification: Pathogenic for Polycystic kidney disease 2. Last evaluated: 2024-01-18. Review status: criteria provided, single submitter. Criteria: ACMG Guidelines, 2015. Collection method: clinical testing. Allele origin: germline. Inheritance: Autosomal dominant inheritance. Affected: yes.

MGZ Medical Genetics Center
Classification: Pathogenic for Polycystic kidney disease 2. Last evaluated: 2021-08-23. Review status: criteria provided, single submitter. Criteria: ACMG Guidelines, 2015. Collection method: clinical testing. Allele origin: germline. Affected: yes. Observed: 1 variant allele.
Comment: ACMG criteria applied: PVS1, PM2_SUP, PP3

Bioscientia Institut fuer Medizinische Diagnostik GmbH, Sonic Healthcare
Classification: Pathogenic for Polycystic kidney disease 2. Last evaluated: 2018-11-27. Review status: no assertion criteria provided. Collection method: clinical testing. Allele origin: germline. Affected: yes. Not counted in ClinVar's aggregate classification.